The following is an entry in ClinVar:

NM_014712.3(SETD1A):c.1055C>T (p.Ser352Phe)

Gene: SETD1A (SET domain containing 1A, histone lysine methyltransferase; plus strand). Cytogenetic location: 16p11.2.
Variant type: single nucleotide variant.
Coding change: c.1055C>T on transcript NM_014712.3 (MANE Select); coding-DNA position 1055, C replaced by T.
Protein change: p.Ser352Phe; replaces serine 352 with phenylalanine.
Molecular consequence: missense variant.
Genome position (GRCh38, 1-based): chr16:30,964,797, C>T. VCF-style: chr16-30964797-C-T. GRCh37 (hg19) VCF-style: chr16-30976118-C-T.
Other names: short protein forms S352F.
Identifiers: ClinVar variation 4883169 (VCV004883169.2).

ClinVar aggregate classification (germline): Uncertain significance (1 of 4 stars; one submission).

gnomAD v4.1: 5 of 1,614,084 alleles (0.00031%); highest among the groups gnomAD compares: African/African-American, 0.0013%; no homozygotes.

Submission:

Dasa
Classification: Uncertain significance. Last evaluated: 2026-03-30. Review status: criteria provided, single submitter. Criteria: DASA Assertion Criteria. Collection method: clinical testing. Allele origin: germline.
Comment: NM_014712.3(SETD1A):c.1055C>T (p.Ser352Phe) is a missense variant that results in the substitution of serine with phenylalanine. This variant is rare in population databases. The currently available literature and clinical evidence are not sufficient to establish a definitive association between this variant and the reported condition. Therefore, this variant is classified as a variant of uncertain significance.